The following is an entry in ClinVar:

NM_003803.4(MYOM1):c.640T>C (p.Ser214Pro)

Gene: MYOM1 (myomesin 1; minus strand). Cytogenetic location: 18p11.31.
Variant type: single nucleotide variant.
Coding change: c.640T>C on transcript NM_003803.4 (MANE Select); coding-DNA position 640, T replaced by C.
Protein change: p.Ser214Pro; replaces serine 214 with proline.
Molecular consequence: missense variant.
Genome position (GRCh38, 1-based): chr18:3,188,879, A>G on the plus strand (T>C on the coding strand, the complement: MYOM1 is on the minus strand). VCF-style: chr18-3188879-A-G. GRCh37 (hg19) VCF-style: chr18-3188877-A-G.
Other names: c.640T>C, p.Ser214Pro (NM_019856.2); short protein forms S214P.
Identifiers: ClinVar variation 3223576 (VCV003223576.1), dbSNP rs2510719411, ClinGen allele CA401716680.

ClinVar aggregate classification (germline): Uncertain significance (1 of 4 stars; one submission).

Submission:

Ambry Genetics
Classification: Uncertain significance. Last evaluated: 2024-01-11. Review status: criteria provided, single submitter. Criteria: Ambry Variant Classification Scheme 2023. Collection method: clinical testing. Allele origin: germline.
Comment: The p.S214P variant (also known as c.640T>C), located in coding exon 3 of the MYOM1 gene, results from a T to C substitution at nucleotide position 640. The serine at codon 214 is replaced by proline, an amino acid with similar properties. This amino acid position is conserved. In addition, this alteration is predicted to be tolerated by in silico analysis. Since supporting evidence is limited at this time, the clinical significance of this alteration remains unclear.